The following is an entry in ClinVar:

ClinVar aggregate classification (germline): Uncertain significance (1 of 4 stars; one submission).

gnomAD v4.1: 14 of 1,614,056 alleles (0.00087%); highest among the groups gnomAD compares: East Asian, 0.0045%; no homozygotes.

Submission:

Labcorp Genetics (formerly Invitae), Labcorp
Classification: Uncertain significance. Last evaluated: 2025-04-03. Review status: criteria provided, single submitter. Criteria: Invitae Variant Classification Sherloc (09022015). Collection method: clinical testing. Allele origin: germline.
Comment: This sequence change replaces alanine, which is neutral and non-polar, with threonine, which is neutral and polar, at codon 851 of the CNTNAP1 protein (p.Ala851Thr). This variant is present in population databases (rs199782327, gnomAD 0.003%). This variant has not been reported in the literature in individuals affected with CNTNAP1-related conditions. An algorithm developed to predict the effect of missense changes on protein structure and function (PolyPhen-2) suggests that this variant is likely to be disruptive. In summary, the available evidence is currently insufficient to determine the role of this variant in disease. Therefore, it has been classified as a Variant of Uncertain Significance.

NM_003632.3(CNTNAP1):c.2551G>A (p.Ala851Thr)

Gene: CNTNAP1 (contactin associated protein 1; plus strand). Cytogenetic location: 17q21.2.
Variant type: single nucleotide variant.
Coding change: c.2551G>A on transcript NM_003632.3 (MANE Select); coding-DNA position 2551, G replaced by A.
Protein change: p.Ala851Thr; replaces alanine 851 with threonine.
Molecular consequence: missense variant.
Genome position (GRCh38, 1-based): chr17:42,692,519, G>A. VCF-style: chr17-42692519-G-A. GRCh37 (hg19) VCF-style: chr17-40844537-G-A.
Other names: short protein forms A851T.
Identifiers: ClinVar variation 4700081 (VCV004700081.1).